The following is an entry in ClinVar:

ClinVar aggregate classification (germline): Uncertain significance (1 of 4 stars; one submission).

Conditions:
Neurodevelopmental disorder with dysmorphic facies and distal skeletal anomalies. Identifiers: MedGen C5231448, MONDO:0032855, OMIM 618659.

Submission:

Juno Genomics, Hangzhou Juno Genomics, Inc
Classification: Uncertain significance for Neurodevelopmental disorder with dysmorphic facies and distal skeletal anomalies. Review status: criteria provided, single submitter. Criteria: ACMG Guidelines, 2015. Collection method: clinical testing. Allele origin: germline.
Comment: Absent from controls (or at extremely low frequency if recessive) in Genome Aggregation Database.;Protein length changes due to in-frame deletions/insertions in a non-repeat region or stop-loss variants.

NM_020338.4(ZMIZ1):c.863_868dup (p.Ala289_Ala290insValAla)

Gene: ZMIZ1 (zinc finger MIZ-type containing 1; plus strand). Cytogenetic location: 10q22.3.
Variant type: Duplication.
Coding change: c.863_868dup on transcript NM_020338.4 (MANE Select); coding-DNA positions 863 to 868, 6 bases duplicated (TGGCAG; older notation c.863_868dupTGGCAG).
Protein change: p.Ala289_Ala290insValAla.
Molecular consequence: inframe insertion.
Genome position (GRCh38, 1-based): chr10:79,292,262-79,292,267, TGGCAG duplicated; duplicating any 6 consecutive bases within chr10:79,292,257-79,292,267 gives the same sequence; the c. name uses the placement nearest the transcript's 3' end. VCF-style (leftmost placement, unchanged base first): chr10-79292256-C-CGGCAGT. GRCh37 (hg19) VCF-style: chr10-81052013-C-CGGCAGT.
Identifiers: ClinVar variation 5018939 (VCV005018939.2).